The following is an entry in ClinVar:

ClinVar aggregate classification (germline): Uncertain significance (1 of 4 stars; one submission).

Conditions:
Hereditary cancer-predisposing syndrome. Also called: Hereditary neoplastic syndrome; Hereditary Cancer Syndrome; Neoplastic Syndromes, Hereditary; Tumor predisposition. Identifiers: Orphanet 140162, MedGen C0027672, MeSH D009386, MONDO:0015356.

Submission:

Color Diagnostics, LLC DBA Color Health
Classification: Uncertain significance for Hereditary cancer-predisposing syndrome. Last evaluated: 2022-07-11. Review status: criteria provided, single submitter. Criteria: ACMG Guidelines, 2015. Collection method: clinical testing. Allele origin: germline.
Comment: This missense variant replaces serine with threonine at codon 326 of the MUTYH protein. Computational prediction suggests that this variant may not impact protein structure and function (internally defined REVEL score threshold <= 0.5, PMID: 27666373). To our knowledge, functional studies have not been reported for this variant. This variant has not been reported in individuals affected with hereditary cancer in the literature. This variant has not been identified in the general population by the Genome Aggregation Database (gnomAD). The available evidence is insufficient to determine the role of this variant in disease conclusively. Therefore, this variant is classified as a Variant of Uncertain Significance.

NM_001048174.2(MUTYH):c.893G>C (p.Ser298Thr)

Gene: MUTYH (mutY DNA glycosylase; minus strand). Cytogenetic location: 1p34.1.
Variant type: single nucleotide variant.
Coding change: c.893G>C on transcript NM_001048174.2 (MANE Select); coding-DNA position 893, G replaced by C.
Protein change: p.Ser298Thr; replaces serine 298 with threonine.
Molecular consequence: missense variant. On other transcripts: non-coding transcript variant (7).
Genome position (GRCh38, 1-based): chr1:45,332,043, C>G on the plus strand (G>C on the coding strand, the complement: MUTYH is on the minus strand). VCF-style: chr1-45332043-C-G. GRCh37 (hg19) VCF-style: chr1-45797715-C-G.
Other names: c.893G>C, p.Ser298Thr (NM_001048171.2, NM_001048173.2, NM_001293195.2 and 6 more transcripts); c.896G>C, p.Ser299Thr (NM_001048172.2, NM_001407071.1, NM_001407078.1 and 1 more transcripts); c.977G>C, p.Ser326Thr (NM_001128425.2); c.938G>C, p.Ser313Thr (NM_001293190.2); c.926G>C, p.Ser309Thr (NM_001293191.2, NM_001407069.1, NM_001407077.1); c.617G>C, p.Ser206Thr (NM_001293192.2, NM_001293196.2, NM_001407091.1); c.548G>C, p.Ser183Thr (NM_001350650.2, NM_001350651.2, NM_001407082.1); c.809G>C, p.Ser270Thr (NM_001407075.1); and 5 more; short protein forms S298T, S312T, S183T, S206T, S285T, S299T, S309T, S326T.
Identifiers: ClinVar variation 2773688 (VCV002773688.2), dbSNP rs2524049529, ClinGen allele CA340134079.